The following is an entry in ClinVar:

NM_001035.3(RYR2):c.5374A>T (p.Ile1792Leu)

Gene: RYR2 (ryanodine receptor 2; plus strand). Cytogenetic location: 1q43.
Variant type: single nucleotide variant.
Coding change: c.5374A>T on transcript NM_001035.3 (MANE Select); coding-DNA position 5374, A replaced by T.
Protein change: p.Ile1792Leu; replaces isoleucine 1792 with leucine.
Molecular consequence: missense variant.
Genome position (GRCh38, 1-based): chr1:237,614,502, A>T. VCF-style: chr1-237614502-A-T. GRCh37 (hg19) VCF-style: chr1-237777802-A-T.
Other names: c.5374A>T, p.Ile1792Leu (LRG_402t1); short protein forms I1792L.
Identifiers: ClinVar variation 238237 (VCV000238237.10), dbSNP rs878854159, ClinGen allele CA10581776.

ClinVar aggregate classification (germline): Uncertain significance (1 of 4 stars; one submission).

Conditions:
Catecholaminergic polymorphic ventricular tachycardia 1. Also called: VENTRICULAR TACHYCARDIA, CATECHOLAMINERGIC POLYMORPHIC, 1, WITH OR WITHOUT ATRIAL DYSFUNCTION AND/OR DILATED CARDIOMYOPATHY; RYR2-Related Catecholaminergic Polymorphic Ventricular Tachycardia; VENTRICULAR TACHYCARDIA, STRESS-INDUCED POLYMORPHIC 1. Identifiers: Orphanet 3286, MedGen C1631597, MONDO:0011484, OMIM 604772.

Submission:

Labcorp Genetics (formerly Invitae), Labcorp
Classification: Uncertain significance for Catecholaminergic polymorphic ventricular tachycardia 1. Last evaluated: 2015-12-12. Review status: criteria provided, single submitter. Criteria: Invitae Variant Classification Sherloc (09022015). Collection method: clinical testing. Allele origin: germline.
Comment: This sequence change replaces isoleucine with leucine at codon 1792 of the RYR2 protein (p.Ile1792Leu). The isoleucine residue is highly conserved and there is a small physicochemical difference between isoleucine and leucine. This variant is not present in population databases (ExAC no frequency) and has not been reported in the literature in individuals with a RYR2-related disease. Algorithms developed to predict the effect of missense changes on protein structure and function do not agree on the potential impact of this missense change (SIFT: "Deleterious"; PolyPhen-2: "Benign"; Align-GVGD: "Class C0"). In summary, this is a novel missense change with uncertain impact on protein function. It has been classified as a Variant of Uncertain Significance.